The following is an entry in ClinVar:

ClinVar aggregate classification (germline): Pathogenic (1 of 4 stars; one submission).

Conditions:
Fraser syndrome 3. Identifiers: MedGen C4540040, MONDO:0054739, OMIM 617667.

Submission:

Myriad Genetics, Inc.
Classification: Pathogenic for Fraser syndrome 3. Last evaluated: 2026-03-21. Review status: criteria provided, single submitter. Criteria: Myriad Autosomal Dominant, Autosomal Recessive and X-Linked Classification Criteria (2023). Collection method: clinical testing. Allele origin: unknown.
Comment: NM_021150.3(GRIP1):c.1302_1303dupAC(L435Hfs*17) is expected to be pathogenic in the context of Fraser syndrome, GRIP1-related. This variant is predicted to lead to an abnormal or absent protein product due to the creation of a premature termination codon in GRIP1, a gene where loss-of-function variants are known to be pathogenic. Please note: this variant was assessed in the context of healthy population screening.

NM_001366722.1(GRIP1):c.1458_1459dup (p.Leu487fs)

Gene: GRIP1 (glutamate receptor interacting protein 1; minus strand). Cytogenetic location: 12q14.3.
Variant type: Duplication.
Coding change: c.1458_1459dup on transcript NM_001366722.1 (MANE Select); coding-DNA positions 1458 to 1459, 2 bases duplicated (AC; older notation c.1458_1459dupAC).
Protein change: p.Leu487fs; shifts the reading frame from leucine 487.
Molecular consequence: frameshift variant.
Genome position (GRCh38, 1-based): chr12:66,445,404-66,445,405, GT duplicated on the plus strand (AC on the coding strand, the reverse complement: GRIP1 is on the minus strand). VCF-style (leftmost placement, unchanged base first): chr12-66445403-A-AGT. GRCh37 (hg19) VCF-style: chr12-66839183-A-AGT.
Other names: c.1302_1303dup, p.Leu435fs (NM_001178074.2, NM_001379351.1, NM_021150.4); c.1377_1378dup, p.Leu460fs (NM_001366723.1, NM_001379348.1); c.1380_1381dup, p.Leu461fs (NM_001366724.1, NM_001379347.1); c.1536_1537dup, p.Leu513fs (NM_001379345.1); c.1458_1459dup, p.Leu487fs (NM_001379346.1, NM_001439323.1); c.1305_1306dup, p.Leu436fs (NM_001379349.1); c.1461_1462dup, p.Leu488fs (NM_001439322.1); short protein forms L435fs, L436fs, L460fs, L461fs, L487fs, L488fs, L513fs.
Identifiers: ClinVar variation 5015702 (VCV005015702.1).